The following is an entry in ClinVar:

NM_000372.5(TYR):c.1200G>T (p.Trp400Cys)

Gene: TYR (tyrosinase; plus strand). Cytogenetic location: 11q14.3.
Variant type: single nucleotide variant.
Coding change: c.1200G>T on transcript NM_000372.5 (MANE Select); coding-DNA position 1200, G replaced by T.
Protein change: p.Trp400Cys; replaces tryptophan 400 with cysteine.
Molecular consequence: missense variant.
Genome position (GRCh38, 1-based): chr11:89,284,788, G>T. VCF-style: chr11-89284788-G-T. GRCh37 (hg19) VCF-style: chr11-89017956-G-T.
Other names: short protein forms W400C.
Identifiers: ClinVar variation 2735734 (VCV002735734.8), dbSNP rs145610977, ClinGen allele CA6221379.

ClinVar aggregate classification (germline): Pathogenic/Likely pathogenic. Review status: criteria provided, multiple submitters, no conflicts (2 of 4 stars). 6 submissions from 6 submitters: Pathogenic (3); Likely pathogenic (3). Last evaluated 2025-01-01.

Conditions:
Oculocutaneous albinism type 1B (OCA1B). Also called: ALBINISM, OCULOCUTANEOUS, TYPE IB; ALBINISM, YELLOW MUTANT TYPE; YELLOW ALBINISM. Identifiers: Orphanet 352731, Orphanet 352737, Orphanet 79434, MedGen C1847024, MONDO:0011749, OMIM 606952.
Oculocutaneous albinism type 1A (OCA1A). Also called: Albinism, oculocutaneous, type IA. Identifiers: Orphanet 352731, Orphanet 79431, MedGen C4551504, MONDO:0008745, OMIM 203100. Disease mechanism: loss of function.
SKIN/HAIR/EYE PIGMENTATION 3, LIGHT/DARK SKIN (SHEP3). Also called: SKIN/HAIR/EYE PIGMENTATION, VARIATION IN, 3; EYE COLOR 1; EYE COLOR, GREEN/BLUE; SKIN/HAIR/EYE PIGMENTATION 3, BLUE/GREEN EYE COLOR; SKIN/HAIR/EYE PIGMENTATION 3, FRECKLING. Identifiers: MedGen C2677190, OMIM 601800.
Oculocutaneous albinism. Identifiers: Orphanet 55, MedGen C0078918, MONDO:0018910.

Allele frequency attached by ClinVar (database versions not stated): TOPMed below 0.00001; ExAC 0.00001; gnomAD 0.00001; gnomAD exomes 0.00001; ESP Exome Variant Server 0.00008.
gnomAD v4.1: 11 of 1,611,372 alleles (0.00068%); highest among the groups gnomAD compares: South Asian, 0.0022%; no homozygotes.

Submissions (6):

Laboratory of Genetic Epidemiology, Research Centre for Medical Genetics
Classification: Likely pathogenic for Oculocutaneous albinism type 1A; Oculocutaneous albinism type 1B. Last evaluated: 2025-01-01. Review status: criteria provided, single submitter. Criteria: ACMG Guidelines, 2015. Collection method: clinical testing. Allele origin: unknown. Inheritance: Autosomal recessive inheritance. Affected: yes. Observed: 1 heterozygote.
Comment: This variant has been previously reported in the literature (PMIDs: 28976636, 35923705) and is listed in gnomAD v3.1.2 with allele frequency 0.000006 (1/151674). The affected amino acid position is evolutionarily conserved and located in the highly conservative residue that is important for maintaining a three -dimensional structure (Trp400) (PMID: 12028580). Multiple in silico prediction tools support a deleterious effect. We assume that this variant is highly likely to be in trans-position with the likely pathogenic variant NM_000372.5:c.650G>A, p.(Arg217Gln) in proband; therefore, based on the literature (PMID: 30311386), we apply the ACMG pathogenic criterion PM3 Supporting. Taken together, the variant meets the following ACMG/AMP criteria and can be classified as likely pathogenic with PM2, PP3, PM1, PM3, PP4 criteria.

Fulgent Genetics
Classification: Pathogenic for Oculocutaneous albinism type 1A; SKIN/HAIR/EYE PIGMENTATION 3, LIGHT/DARK SKIN; Oculocutaneous albinism type 1B. Last evaluated: 2024-05-09. Review status: criteria provided, single submitter. Criteria: ACMG Guidelines, 2015. Collection method: clinical testing. Allele origin: germline.

Women's Health and Genetics/Laboratory Corporation of America, LabCorp
Classification: Pathogenic for Oculocutaneous albinism. Last evaluated: 2024-04-30. Review status: criteria provided, single submitter. Criteria: LabCorp Variant Classification Summary - May 2015. Collection method: clinical testing. Allele origin: germline.
Comment: Variant summary: TYR c.1200G>T (p.Trp400Cys) results in a non-conservative amino acid change located in the Tyrosinase copper-binding domain (IPR002227) of the encoded protein sequence. Five of five in-silico tools predict a damaging effect of the variant on protein function. The variant allele was found at a frequency of 1.2e-05 in 250294 control chromosomes. c.1200G>T has been reported in the literature in multiple individuals affected with Oculocutaneous Albinism (examples: Lasseaux_2018, Rooryck_2008, Mauri_2017, Zhong_2022, Wang_2020). These data indicate that the variant is likely to be associated with disease. A different variant affecting this codon (c.1199G>T, p.Trp400Leu) has been classified pathogenic in ClinVar (Variation ID: 99541. The following publications have been ascertained in the context of this evaluation (PMID: 29345414, 27734839, 18821858, 32619251, 35923705). ClinVar contains an entry for this variant (Variation ID: 2735734). Based on the evidence outlined above, the variant was classified as pathogenic.

Baylor Genetics
Classification: Likely pathogenic for SKIN/HAIR/EYE PIGMENTATION 3, LIGHT/DARK SKIN. Last evaluated: 2023-12-11. Review status: criteria provided, single submitter. Criteria: ACMG Guidelines, 2015. Collection method: clinical testing. Allele origin: unknown.

Labcorp Genetics (formerly Invitae), Labcorp
Classification: Pathogenic. Last evaluated: 2023-09-21. Review status: criteria provided, single submitter. Criteria: Invitae Variant Classification Sherloc (09022015). Collection method: clinical testing. Allele origin: germline.
Comment: This missense change has been observed in individual(s) with clinical features of oculocutaneous albinism (PMID: 18821858, 27734839, 29345414). In at least one individual the data is consistent with being in trans (on the opposite chromosome) from a pathogenic variant. For these reasons, this variant has been classified as Pathogenic. This variant disrupts the p.Trp400 amino acid residue in TYR. Other variant(s) that disrupt this residue have been determined to be pathogenic (PMID: 31077556). This suggests that this residue is clinically significant, and that variants that disrupt this residue are likely to be disease-causing. Advanced modeling of protein sequence and biophysical properties (such as structural, functional, and spatial information, amino acid conservation, physicochemical variation, residue mobility, and thermodynamic stability) performed at Invitae indicates that this missense variant is expected to disrupt TYR protein function. This variant is present in population databases (rs145610977, gnomAD 0.006%). This sequence change replaces tryptophan, which is neutral and slightly polar, with cysteine, which is neutral and slightly polar, at codon 400 of the TYR protein (p.Trp400Cys).

Kariminejad - Najmabadi Pathology & Genetics Center
Classification: Likely pathogenic for Oculocutaneous albinism type 1A. Review status: criteria provided, single submitter. Criteria: ACMG Guidelines, 2015. Collection method: clinical testing. Allele origin: germline. Affected: no.

Literature cited by the submitters: PubMed 28976636 (cited by Laboratory of Genetic Epidemiology, Research Centre for Medical Genetics); PubMed 35923705 (cited by Laboratory of Genetic Epidemiology, Research Centre for Medical Genetics and Women's Health and Genetics/Laboratory Corporation of America, LabCorp); PubMed 12028580 (cited by Laboratory of Genetic Epidemiology, Research Centre for Medical Genetics); PubMed 41428507 (cited by Laboratory of Genetic Epidemiology, Research Centre for Medical Genetics); PubMed 29345414 (cited by Women's Health and Genetics/Laboratory Corporation of America, LabCorp and Labcorp Genetics (formerly Invitae), Labcorp); PubMed 27734839 (cited by Women's Health and Genetics/Laboratory Corporation of America, LabCorp and Labcorp Genetics (formerly Invitae), Labcorp); PubMed 18821858 (cited by Women's Health and Genetics/Laboratory Corporation of America, LabCorp and Labcorp Genetics (formerly Invitae), Labcorp); PubMed 32619251 (cited by Women's Health and Genetics/Laboratory Corporation of America, LabCorp); PubMed 31077556 (cited by Labcorp Genetics (formerly Invitae), Labcorp).